The following is an entry in ClinVar:

NM_000071.3(CBS):c.671G>T (p.Arg224Leu)

Gene: CBS (cystathionine beta-synthase; minus strand). Cytogenetic location: 21q22.3.
Variant type: single nucleotide variant.
Coding change: c.671G>T on transcript NM_000071.3 (MANE Select); coding-DNA position 671, G replaced by T.
Protein change: p.Arg224Leu; replaces arginine 224 with leucine.
Molecular consequence: missense variant.
Genome position (GRCh38, 1-based): chr21:43,065,268, C>A on the plus strand (G>T on the coding strand, the complement: CBS is on the minus strand). VCF-style: chr21-43065268-C-A. GRCh37 (hg19) VCF-style: chr21-44485378-C-A.
Other names: c.671G>T, p.Arg224Leu (NM_001178008.3, NM_001178009.3, NM_001320298.2); c.356G>T, p.Arg119Leu (NM_001321072.1); short protein forms R119L, R224L.
Identifiers: ClinVar variation 1035460 (VCV001035460.11), dbSNP rs761647392, ClinGen allele CA410600665.
Genomic context (GRCh38, chr21:43,065,268, plus strand): 5'-CACTGCTGCAGGATCTCATCAGCGGTGGTGTCGTAGTGAGCCAGGGGGTTGCTGGCGTTG[C>A]GGTACTGCATAGAAAGAGAGCAGAGCCCGTGAGCTGACCCCTGACACCTCAGTCACCCCC-3'
Protein context (NP_000062.1, residues 214-234): IPNSHILDQY[Arg224Leu]NASNPLAHYD

ClinVar aggregate classification (germline): Uncertain significance. Review status: criteria provided, multiple submitters, no conflicts (2 of 4 stars). 2 submissions from 2 submitters: Uncertain significance (2). Last evaluated 2022-03-09.

Conditions:
HYPERHOMOCYSTEINEMIA, THROMBOTIC, CBS-RELATED. Identifiers: MedGen C3150344, OMIM 236200.
Classic homocystinuria. Also called: Homocystinuria due to Cystathionine Beta-Synthase Deficiency; Homocystinuria due to CBS deficiency; Cystathionine beta-synthase deficiency; CBS deficiency; HOMOCYSTINURIA WITH OR WITHOUT RESPONSE TO PYRIDOXINE. Identifiers: Orphanet 394, MedGen C0751202, MONDO:0009352, OMIM 236200.

Submissions (2):

Labcorp Genetics (formerly Invitae), Labcorp
Classification: Uncertain significance for HYPERHOMOCYSTEINEMIA, THROMBOTIC, CBS-RELATED. Last evaluated: 2022-03-09. Review status: criteria provided, single submitter. Criteria: Invitae Variant Classification Sherloc (09022015). Collection method: clinical testing. Allele origin: germline.
Comment: In summary, the available evidence is currently insufficient to determine the role of this variant in disease. Therefore, it has been classified as a Variant of Uncertain Significance. Algorithms developed to predict the effect of missense changes on protein structure and function are either unavailable or do not agree on the potential impact of this missense change (SIFT: "Deleterious"; PolyPhen-2: "Benign"; Align-GVGD: "Class C0"). ClinVar contains an entry for this variant (Variation ID: 1035460). This variant has not been reported in the literature in individuals affected with CBS-related conditions. This variant is present in population databases (no rsID available, gnomAD 0.0009%). This sequence change replaces arginine, which is basic and polar, with leucine, which is neutral and non-polar, at codon 224 of the CBS protein (p.Arg224Leu).

Fulgent Genetics
Classification: Uncertain significance for Classic homocystinuria. Last evaluated: 2021-07-27. Review status: criteria provided, single submitter. Criteria: ACMG Guidelines, 2015. Collection method: clinical testing. Allele origin: unknown.